The following is an entry in ClinVar:

NM_000044.6(AR):c.170AGC[8] (p.Leu56_Leu57insGlnGlnGlnGlnGlnGlnGlnGln)

Gene: AR (androgen receptor; plus strand). Cytogenetic location: Xq12.
Variant type: Microsatellite.
Coding change: c.170AGC[8] on transcript NM_000044.6 (MANE Select); eight copies in a row of the 3-base unit AGC starting at c.170.
Protein change: p.Leu56_Leu57insGlnGlnGlnGlnGlnGlnGlnGln.
Molecular consequence: inframe insertion. On other transcripts: 5 prime UTR variant (1).
Genome position: GRCh38 VCF-style: chrX-67545313-T-TGCAGCAGCAGCAGCAGCAGCAGCA. GRCh37 (hg19) VCF-style: chrX-66765155-T-TGCAGCAGCAGCAGCAGCAGCAGCA.
Other names: c.-1614AGC[8] (NM_001011645.3); c.170AGC[8], p.Leu56_Leu57insGlnGlnGlnGlnGlnGlnGlnGln (NM_001348061.1, NM_001348063.1, NM_001348064.1).
Identifiers: ClinVar variation 1428356 (VCV001428356.3), dbSNP rs755686403, ClinGen allele CA1133901958.

ClinVar aggregate classification (germline): Uncertain significance (1 of 4 stars; one submission).

Conditions:
Kennedy disease (SMAX1). Also called: SPINAL AND BULBAR MUSCULAR ATROPHY, X-LINKED 1; KENNEDY SPINAL AND BULBAR MUSCULAR ATROPHY; Spinal and Bulbar Muscular Atrophy. Identifiers: Orphanet 481, MedGen C1839259, MONDO:0010735, OMIM 313200.
Androgen resistance syndrome (AIS). Also called: ANDROGEN RECEPTOR DEFICIENCY; DIHYDROTESTOSTERONE RECEPTOR DEFICIENCY; Androgen insensitivity; DHTR DEFICIENCY; TESTICULAR FEMINIZATION SYNDROME; Androgen insensitivity syndrome. Identifiers: Orphanet 754, Orphanet 99429, MedGen C0039585, MONDO:0019154, OMIM 300068. Disease mechanism: loss of function.

Submission:

Labcorp Genetics (formerly Invitae), Labcorp
Classification: Uncertain significance for Kennedy disease; Androgen resistance syndrome. Last evaluated: 2022-03-22. Review status: criteria provided, single submitter. Criteria: Invitae Variant Classification Sherloc (09022015). Collection method: clinical testing. Allele origin: germline.
Comment: This variant, c.169_170ins24, results in the insertion of 8 amino acid(s) of the AR protein (p.Leu56_Leu57ins8), but otherwise preserves the integrity of the reading frame. This variant is not present in population databases (gnomAD no frequency). This variant has not been reported in the literature in individuals affected with AR-related conditions. Experimental studies and prediction algorithms are not available or were not evaluated, and the functional significance of this variant is currently unknown. Algorithms developed to predict the effect of sequence changes on RNA splicing suggest that this variant may create or strengthen a splice site. In summary, the available evidence is currently insufficient to determine the role of this variant in disease. Therefore, it has been classified as a Variant of Uncertain Significance.